The following is an entry in ClinVar:

ClinVar aggregate classification (germline): Uncertain significance (1 of 4 stars; one submission).

Allele frequency attached by ClinVar (database versions not stated): gnomAD exomes below 0.00001.
gnomAD v4.1: 2 of 1,611,894 alleles (0.00012%); highest among the groups gnomAD compares: African/African-American, 0.0013%; no homozygotes.

Submission:

Ambry Genetics
Classification: Uncertain significance. Last evaluated: 2023-05-28. Review status: criteria provided, single submitter. Criteria: Ambry Variant Classification Scheme 2023. Collection method: clinical testing. Allele origin: germline.
Comment: The p.L1156F variant (also known as c.3466C>T), located in coding exon 30 of the KIF1B gene, results from a C to T substitution at nucleotide position 3466. The leucine at codon 1156 is replaced by phenylalanine, an amino acid with highly similar properties. This amino acid position is conserved. In addition, this alteration is predicted to be tolerated by in silico analysis. Since supporting evidence is limited at this time, the clinical significance of this alteration remains unclear.

NM_001365951.3(KIF1B):c.3604C>T (p.Leu1202Phe)

Gene: KIF1B (kinesin family member 1B; plus strand). Cytogenetic location: 1p36.22.
Variant type: single nucleotide variant.
Coding change: c.3604C>T on transcript NM_001365951.3 (MANE Select); coding-DNA position 3604, C replaced by T.
Protein change: p.Leu1202Phe; replaces leucine 1202 with phenylalanine.
Molecular consequence: missense variant.
Genome position (GRCh38, 1-based): chr1:10,342,140, C>T. VCF-style: chr1-10342140-C-T. GRCh37 (hg19) VCF-style: chr1-10402198-C-T.
Other names: c.3604C>T, p.Leu1202Phe (NM_001365952.1); c.3466C>T, p.Leu1156Phe (NM_015074.3); short protein forms L1156F, L1202F.
Identifiers: ClinVar variation 2563650 (VCV002563650.2), dbSNP rs2521752579, ClinGen allele CA338341895.